The following is an entry in ClinVar:

NM_176787.5(PIGN):c.963+2T>C

Gene: PIGN (phosphatidylinositol glycan anchor biosynthesis class N; minus strand). Cytogenetic location: 18q21.33.
Variant type: single nucleotide variant.
Coding change: c.963+2T>C on transcript NM_176787.5 (MANE Select); the canonical splice donor site of the intron after coding-DNA position 963, T replaced by C.
Molecular consequence: splice donor variant.
Genome position (GRCh38, 1-based): chr18:62,143,304, A>G on the plus strand (T>C on the coding strand, the complement: PIGN is on the minus strand). VCF-style: chr18-62143304-A-G. GRCh37 (hg19) VCF-style: chr18-59810537-A-G.
Other names: c.963+2T>C (NM_012327.6).
Identifiers: ClinVar variation 3691468 (VCV003691468.2).

ClinVar aggregate classification (germline): Likely pathogenic (1 of 4 stars; one submission).

Conditions:
Multiple congenital anomalies-hypotonia-seizures syndrome 1 (MCAHS1). Also called: PIGN-CDG; Congenital disorder of glycosylation due to PIGN deficiency; GLYCOSYLPHOSPHATIDYLINOSITOL BIOSYNTHESIS DEFECT 3. Identifiers: Orphanet 280633, MedGen C3279775, MONDO:0013563, OMIM 614080.

Submission:

Labcorp Genetics (formerly Invitae), Labcorp
Classification: Likely pathogenic for Multiple congenital anomalies-hypotonia-seizures syndrome 1. Last evaluated: 2024-03-03. Review status: criteria provided, single submitter. Criteria: Invitae Variant Classification Sherloc (09022015). Collection method: clinical testing. Allele origin: germline.
Comment: This sequence change affects a donor splice site in intron 11 of the PIGN gene. It is expected to disrupt RNA splicing. Variants that disrupt the donor or acceptor splice site typically lead to a loss of protein function (PMID: 16199547), and loss-of-function variants in PIGN are known to be pathogenic (PMID: 24253414, 27038415). This variant is not present in population databases (gnomAD no frequency). This variant has not been reported in the literature in individuals affected with PIGN-related conditions. Algorithms developed to predict the effect of sequence changes on RNA splicing suggest that this variant may disrupt the consensus splice site. In summary, the currently available evidence indicates that the variant is pathogenic, but additional data are needed to prove that conclusively. Therefore, this variant has been classified as Likely Pathogenic.

Literature cited by the submitters: PubMed 16199547; PubMed 24253414; PubMed 27038415.